The following is an entry in ClinVar:

NM_000263.4(NAGLU):c.1277G>A (p.Gly426Asp)

Gene: NAGLU (N-acetyl-alpha-glucosaminidase; plus strand). Cytogenetic location: 17q21.2.
Variant type: single nucleotide variant.
Coding change: c.1277G>A on transcript NM_000263.4 (MANE Select); coding-DNA position 1277, G replaced by A.
Protein change: p.Gly426Asp; replaces glycine 426 with aspartic acid.
Molecular consequence: missense variant.
Genome position (GRCh38, 1-based): chr17:42,543,283, G>A. VCF-style: chr17-42543283-G-A. GRCh37 (hg19) VCF-style: chr17-40695301-G-A.
Other names: short protein forms G426D.
Identifiers: ClinVar variation 643204 (VCV000643204.15), dbSNP rs771151036, ClinGen allele CA399601704.

ClinVar aggregate classification (germline): Pathogenic/Likely pathogenic. Review status: criteria provided, multiple submitters, no conflicts (2 of 4 stars). 3 submissions from 3 submitters: Pathogenic (1); Likely pathogenic (2). Last evaluated 2025-10-01.

Conditions:
Mucopolysaccharidosis, MPS-III-B (MPS3B). Also called: MPS III B; MUCOPOLYSACCHARIDOSIS, TYPE IIIB; N-ACETYL-ALPHA-D-GLUCOSAMINIDASE DEFICIENCY; NAGLU DEFICIENCY; SANFILIPPO SYNDROME B; Mucopolysaccharidosis type IIIB (Sanfilippo B). Identifiers: Orphanet 79270, MedGen C0086648, MONDO:0009656, OMIM 252920.
Charcot-Marie-Tooth disease axonal type 2V. Also called: CHARCOT-MARIE-TOOTH NEUROPATHY, TYPE 2V; CHARCOT-MARIE-TOOTH DISEASE, AXONAL, AUTOSOMAL DOMINANT, TYPE 2V. Identifiers: Orphanet 447964, MedGen C5569050, MONDO:0014665, OMIM 616491.

Allele frequency attached by ClinVar (database versions not stated): TOPMed below 0.00001; gnomAD 0.00001.
gnomAD v4.1: 3 of 1,613,760 alleles (0.00019%); highest among the groups gnomAD compares: Non-Finnish European, 0.00025%; no homozygotes.

Submissions (3):

Women's Health and Genetics/Laboratory Corporation of America, LabCorp
Classification: Likely pathogenic for Mucopolysaccharidosis, MPS-III-B. Last evaluated: 2025-10-01. Review status: criteria provided, single submitter. Criteria: LabCorp Variant Classification Summary - May 2015. Collection method: clinical testing. Allele origin: germline.
Comment: Variant summary: NAGLU c.1277G>A (p.Gly426Asp) results in a non-conservative amino acid change located in the Alpha-N-acetylglucosaminidase, tim-barrel domain (IPR024733) of the encoded protein sequence. Algorithms developed to predict the effect of missense changes on protein structure and function all suggest that this variant is likely to be disruptive. The variant allele was found at a frequency of 4e-06 in 250644 control chromosomes. The available data on variant occurrences in the general population are insufficient to allow any conclusion about variant significance. c.1277G>A has been reported in the presumed compound heterozygous state in at least one individual affected with Inherited metabolic disorders and one individual with clinical features of NAGLU-related conditions (Almeida_2022, internal data). These data do not allow any conclusion about variant significance. To our knowledge, no experimental evidence demonstrating an impact on protein function has been reported. A different variant at this codon has been determined to be likely pathogenic/pathogenic by our laboratory (c.1277G>C (p.Gly426Ala, PMID: 29979746). The following publication has been ascertained in the context of this evaluation (PMID: 35614200). ClinVar contains an entry for this variant (Variation ID: 643204). Based on the evidence outlined above, the variant was classified as likely pathogenic.

Labcorp Genetics (formerly Invitae), Labcorp
Classification: Pathogenic for Charcot-Marie-Tooth disease axonal type 2V; Mucopolysaccharidosis, MPS-III-B. Last evaluated: 2024-09-27. Review status: criteria provided, single submitter. Criteria: Invitae Variant Classification Sherloc (09022015). Collection method: clinical testing. Allele origin: germline.
Comment: This sequence change replaces glycine, which is neutral and non-polar, with aspartic acid, which is acidic and polar, at codon 426 of the NAGLU protein (p.Gly426Asp). This variant is not present in population databases (gnomAD no frequency). This missense change has been observed in individual(s) with clinical features of mucopolysaccharidosis type III (internal data). In at least one individual the data is consistent with being in trans (on the opposite chromosome) from a pathogenic variant. ClinVar contains an entry for this variant (Variation ID: 643204). Invitae Evidence Modeling of protein sequence and biophysical properties (such as structural, functional, and spatial information, amino acid conservation, physicochemical variation, residue mobility, and thermodynamic stability) indicates that this missense variant is expected to disrupt NAGLU protein function with a positive predictive value of 95%. For these reasons, this variant has been classified as Pathogenic.

Fulgent Genetics
Classification: Likely pathogenic for Mucopolysaccharidosis, MPS-III-B; Charcot-Marie-Tooth disease axonal type 2V. Last evaluated: 2024-03-13. Review status: criteria provided, single submitter. Criteria: ACMG Guidelines, 2015. Collection method: clinical testing. Allele origin: germline.

Literature cited by the submitters: PubMed 29979746 (cited by Women's Health and Genetics/Laboratory Corporation of America, LabCorp); PubMed 35614200 (cited by Women's Health and Genetics/Laboratory Corporation of America, LabCorp).